The following is an entry in ClinVar:

NM_005120.3(MED12):c.4416-77CTCTT[6]

Gene: MED12 (mediator complex subunit 12; plus strand). Cytogenetic location: Xq13.1.
Variant type: Microsatellite.
Coding change: c.4416-77CTCTT[6] on transcript NM_005120.3 (MANE Select); six copies in a row of the 5-base unit CTCTT starting at c.4416-77.
Molecular consequence: intron variant.
Genome position: GRCh38 VCF-style: chrX-71132767-CCTCTTCTCTTCTCTTCTCTTCTCTTCTCTT-C. GRCh37 (hg19) VCF-style: chrX-70352617-CCTCTTCTCTTCTCTTCTCTTCTCTTCTCTT-C.
Other names: c.4416-45_4416-16delCTTCTCTTCTCTTCTCTTCTCTTCTCTTCT (NM_005120.2).
Identifiers: ClinVar variation 95251 (VCV000095251.8), dbSNP rs56658066, ClinGen allele CA285645.
Genomic context (GRCh38, chrX:71,132,767, plus strand): 5'-GAATGAGGTTGGAAGTTGACTCCCAACCCACAGTCTCCCTTTTCTCCTCTCCTCTTCTCT[CCTCTTCTCTTCTCTTCTCTTCTCTTCTCTT>C]CTCTTCTCTTCTCTTCTCTTCTCTTCTCTTCTTTCTCTTGTCTCTAGCATGTCCCTATTG-3'

ClinVar aggregate classification (germline): Benign. Review status: criteria provided, multiple submitters, no conflicts (2 of 4 stars). 2 submissions from 2 submitters: Benign (2). Last evaluated 2015-04-23.

Submissions (2):

GeneDx
Classification: Benign. Last evaluated: 2015-04-23. Review status: criteria provided, single submitter. Criteria: GeneDx Variant Classification (06012015). Collection method: clinical testing. Allele origin: germline. Affected: yes.
Comment: This variant was found in TAADV2-WO-FBN1-PANCARD,TAADV2-PANCARD

Eurofins Ntd Llc (ga)
Classification: Benign. Last evaluated: 2013-05-09. Review status: criteria provided, single submitter. Criteria: EGL Classification Definitions 2015. Collection method: clinical testing. Allele origin: germline. Observed: 3 variant alleles, 3 hemizygotes.